The following is an entry in ClinVar:

NM_001374828.1(ARID1B):c.1489G>A (p.Gly497Arg)

Gene: ARID1B (AT-rich interaction domain 1B; plus strand). Cytogenetic location: 6q25.3.
Variant type: single nucleotide variant.
Coding change: c.1489G>A on transcript NM_001374828.1 (MANE Select); coding-DNA position 1489, G replaced by A.
Protein change: p.Gly497Arg; replaces glycine 497 with arginine.
Molecular consequence: missense variant.
Genome position (GRCh38, 1-based): chr6:156,779,169, G>A. VCF-style: chr6-156779169-G-A. GRCh37 (hg19) VCF-style: chr6-157100303-G-A.
Other names: c.1240G>A (NM_020732.3); c.1489G>A, p.Gly497Arg (NM_001371656.1, NM_001374820.1, NM_017519.3); short protein forms G497R.
Identifiers: ClinVar variation 1314787 (VCV001314787.2), dbSNP rs2114997880, ClinGen allele CA366384528.

ClinVar aggregate classification (germline): Uncertain significance (1 of 4 stars; one submission).

Submission:

GeneDx
Classification: Uncertain significance. Last evaluated: 2021-04-20. Review status: criteria provided, single submitter. Criteria: GeneDx Variant Classification Process June 2021. Collection method: clinical testing. Allele origin: germline. Affected: yes.
Comment: Not observed in large population cohorts (Lek et al., 2016); In silico analysis supports that this missense variant has a deleterious effect on protein structure/function; Has not been previously published as pathogenic or benign to our knowledge